The following is an entry in ClinVar:

ClinVar aggregate classification (germline): Conflicting classifications of pathogenicity. Review status: criteria provided, conflicting classifications (1 of 4 stars). 5 submissions from 5 submitters: Uncertain significance (1); Likely benign (3). 1 of the submissions does not count toward it. Last evaluated 2026-02-01.

Conditions:
ADGRV1-related disorder. Also called: ADGRV1-related condition; ADGRV1-related disorders.

Allele frequency attached by ClinVar (database versions not stated): TOPMed below 0.00001; gnomAD 0.00001; ExAC 0.00002; gnomAD exomes 0.00004.
gnomAD v4.1: 55 of 1,611,680 alleles (0.0034%); highest among the groups gnomAD compares: Middle Eastern, 0.21%; no homozygotes.

Submissions (5):

Labcorp Genetics (formerly Invitae), Labcorp
Classification: Likely benign. Last evaluated: 2026-02-01. Review status: criteria provided, single submitter. Criteria: Invitae Variant Classification Sherloc (09022015). Collection method: clinical testing. Allele origin: germline.

Blueprint Genetics
Classification: Likely benign. Last evaluated: 2024-08-28. Review status: criteria provided, single submitter. Criteria: ACMG Guidelines, 2015. Collection method: clinical testing. Allele origin: germline.

Laboratory for Molecular Medicine, Mass General Brigham Personalized Medicine
Classification: Likely benign. Last evaluated: 2017-08-23. Review status: criteria provided, single submitter. Criteria: LMM Criteria. Collection method: clinical testing. Allele origin: germline. Observed: 1 variant allele.
Comment: p.Val940Val in exon 15 of GPR98: This variant is not expected to have clinical s ignificance because it does not alter an amino acid residue and is not located w ithin the splice consensus sequence. It has been identified in 1/11562 Latino ch romosomes by the Exome Aggregation Consortium (ExAC. org; dbSNP rs369910075).

Eurofins Ntd Llc (ga)
Classification: Uncertain significance. Last evaluated: 2016-03-15. Review status: criteria provided, single submitter. Criteria: EGL Classification Definitions 2015. Collection method: clinical testing. Allele origin: germline. Observed: 1 variant allele, 1 heterozygote.

PreventionGenetics, part of Exact Sciences
Classification: Likely benign for ADGRV1-related condition. Last evaluated: 2019-11-18. Review status: no assertion criteria provided. Collection method: clinical testing. Allele origin: germline. Not counted in ClinVar's aggregate classification.
Comment: This variant is classified as likely benign based on ACMG/AMP sequence variant interpretation guidelines (Richards et al. 2015 PMID: 25741868, with internal and published modifications).

NM_032119.4(ADGRV1):c.2820A>G (p.Val940=)

Gene: ADGRV1 (adhesion G protein-coupled receptor V1; plus strand). Cytogenetic location: 5q14.3.
Variant type: single nucleotide variant.
Coding change: c.2820A>G on transcript NM_032119.4 (MANE Select); coding-DNA position 2820, A replaced by G.
Protein change: p.Val940=; no amino-acid change (valine 940 retained).
Molecular consequence: synonymous variant. On other transcripts: non-coding transcript variant (1).
Genome position (GRCh38, 1-based): chr5:90,644,791, A>G. VCF-style: chr5-90644791-A-G. GRCh37 (hg19) VCF-style: chr5-89940608-A-G.
Identifiers: ClinVar variation 286746 (VCV000286746.21), dbSNP rs369910075, ClinGen allele CA3339026.
Genomic context (GRCh38, chr5:90,644,791, plus strand): 5'-AGGCAACTTTGGTGATGTTAGTGTATCATGGGTGGTTAGTCCAGACTTTACACAAGATGT[A>G]TTTCCTGTACAAGGGACTGTTGTCTTTGGAGATCAGGAATTTTCAAAAAATATCACCATT-3'
Protein context (NP_115495.3, residues 930-950): WVVSPDFTQD[Val940=]FPVQGTVVFG